The following is an entry in ClinVar:

NM_000038.6(APC):c.4285C>A (p.Gln1429Lys)

Gene: APC (APC regulator of WNT signaling pathway; plus strand). Cytogenetic location: 5q22.2.
Variant type: single nucleotide variant.
Coding change: c.4285C>A on transcript NM_000038.6 (MANE Select); coding-DNA position 4285, C replaced by A.
Protein change: p.Gln1429Lys; replaces glutamine 1429 with lysine.
Molecular consequence: missense variant.
Genome position (GRCh38, 1-based): chr5:112,839,879, C>A. VCF-style: chr5-112839879-C-A. GRCh37 (hg19) VCF-style: chr5-112175576-C-A.
Other names: c.4285C>A, p.Gln1429Lys (NM_001127510.3, NM_001354895.2); c.4231C>A, p.Gln1411Lys (NM_001127511.3); c.4339C>A, p.Gln1447Lys (NM_001354896.2); c.4315C>A, p.Gln1439Lys (NM_001354897.2); c.4210C>A, p.Gln1404Lys (NM_001354898.2); c.4201C>A, p.Gln1401Lys (NM_001354899.2); c.4162C>A, p.Gln1388Lys (NM_001354900.2); c.4108C>A, p.Gln1370Lys (NM_001354901.2); and 5 more; short protein forms Q1411K, Q1429K, Q1269K, Q1338K, Q1328K, Q1388K, Q1404K, Q1439K.
Identifiers: ClinVar variation 82633 (VCV000082633.2), dbSNP rs74535574, ClinGen allele CA009426.

ClinVar aggregate classification (germline): other (0 of 4 stars; one submission).

Conditions:
Familial colorectal cancer. Identifiers: MedGen CN280943, MONDO:0023113. Disease mechanism: loss of function.

Submission:

Systems Biology Platform Zhejiang California International NanoSystems Institute
Classification: other for Familial colorectal cancer. Review status: no assertion criteria provided. Collection method: not provided. Allele origin: unknown.
ClinVar note: Converted during submission from cancer to other.